The following is an entry in ClinVar:

NM_000219.6(KCNE1):c.157T>G (p.Phe53Val)

Gene: KCNE1 (potassium voltage-gated channel subfamily E regulatory subunit 1; minus strand). Cytogenetic location: 21q22.12.
Variant type: single nucleotide variant.
Coding change: c.157T>G on transcript NM_000219.6 (MANE Select); coding-DNA position 157, T replaced by G.
Protein change: p.Phe53Val; replaces phenylalanine 53 with valine.
Molecular consequence: missense variant.
Genome position (GRCh38, 1-based): chr21:34,449,478, A>C on the plus strand (T>G on the coding strand, the complement: KCNE1 is on the minus strand). VCF-style: chr21-34449478-A-C. GRCh37 (hg19) VCF-style: chr21-35821776-A-C.
Other names: c.157T>G, p.Phe53Val (NM_001127668.4, NM_001127669.4, NM_001127670.4 and 4 more transcripts); short protein forms F53V.
Identifiers: ClinVar variation 3374198 (VCV003374198.2).

Conditions:
Long QT syndrome 5 (LQT5). Identifiers: Orphanet 101016, Orphanet 768, MedGen C1867904, MONDO:0013372, OMIM 613695.

Submission:

Roden Lab, Vanderbilt University Medical Center
No classification provided (evidence only). Condition: Long QT syndrome 5. Review status: no classification provided. Collection method: in vitro. Allele origin: not applicable. Functional consequence: Effect on ion channel function.
ClinVar note: "not provided" was previously submitted as the classification for the variant. However, the classification appeared to be based only on an observation of functional data so it was converted to no classification on 2025-07-30.